The following is an entry in ClinVar:

NR_199791.1(RNU2-2):n.109A>G

Genes: RNU2-2 (RNA, U2 small nuclear 2; minus strand), WDR74 (WD repeat domain 74; minus strand). Cytogenetic location: 11q12.3.
Variant type: single nucleotide variant.
Molecular consequence: non-coding transcript variant (on NR_199791.1). On other transcripts: 5 prime UTR variant (1).
Genome position: GRCh38 VCF-style: chr11-62841701-T-C. GRCh37 (hg19) VCF-style: chr11-62609173-T-C.
Other names: c.-430A>G (NM_001369451.1).
Identifiers: ClinVar variation 4540508 (VCV004540508.1).

ClinVar aggregate classification (germline): Uncertain significance (1 of 4 stars; one submission).

Submission:

Institute for Human Genetics, University Hospital Essen
Classification: Uncertain significance. Last evaluated: 2025-11-27. Review status: criteria provided, single submitter. Criteria: Submitter's publication. Collection method: clinical testing. Allele origin: inherited. Inheritance: Autosomal unknown. Affected: yes. Observed: 1 variant allele, 1 heterozygote.
Comment: (no criteria met) (criteria rationale detailed in Leitão et al. Nature Genetics 2026)